The following is an entry in ClinVar:

ClinVar aggregate classification (germline): Uncertain significance (1 of 4 stars; one submission).

Conditions:
Cardiovascular phenotype. Identifiers: MedGen CN230736.

Submission:

Ambry Genetics
Classification: Uncertain significance for Cardiovascular phenotype. Last evaluated: 2025-10-29. Review status: criteria provided, single submitter. Criteria: Ambry Variant Classification Scheme 2023. Collection method: clinical testing. Allele origin: germline.
Comment: The p.E230D variant (also known as c.690G>T), located in coding exon 6 of the AKAP9 gene, results from a G to T substitution at nucleotide position 690. The glutamic acid at codon 230 is replaced by aspartic acid, an amino acid with highly similar properties. This amino acid position is conserved. In addition, this alteration is predicted to be tolerated by in silico analysis. Based on the available evidence, the clinical significance of this variant remains unclear.

NM_005751.5(AKAP9):c.690G>T (p.Glu230Asp)

Gene: AKAP9 (A-kinase anchoring protein 9; plus strand). Cytogenetic location: 7q21.2.
Variant type: single nucleotide variant.
Coding change: c.690G>T on transcript NM_005751.5 (MANE Select); coding-DNA position 690, G replaced by T.
Protein change: p.Glu230Asp; replaces glutamic acid 230 with aspartic acid.
Molecular consequence: missense variant.
Genome position (GRCh38, 1-based): chr7:91,994,734, G>T. VCF-style: chr7-91994734-G-T. GRCh37 (hg19) VCF-style: chr7-91624048-G-T.
Other names: c.690G>T, p.Glu230Asp (NM_147185.3); short protein forms E230D.
Identifiers: ClinVar variation 4613401 (VCV004613401.1).